The following is an entry in ClinVar:

ClinVar aggregate classification (germline): Uncertain significance. Review status: criteria provided, multiple submitters, no conflicts (2 of 4 stars). 7 submissions from 7 submitters: Uncertain significance (6). 1 of the submissions does not count toward it. Last evaluated 2026-04-02.

Conditions:
IFT172-related disorder. Also called: IFT172-related disorders; IFT172-related condition.
Retinitis pigmentosa 71 (RP71). Identifiers: Orphanet 791, MedGen C4225342, MONDO:0014618, OMIM 616394.
Short-rib thoracic dysplasia 10 with or without polydactyly (SRTD10). Identifiers: Orphanet 474, MedGen C3810175, MONDO:0014284, OMIM 615630.
Bardet-Biedl syndrome 20. Identifiers: MedGen C4310707, MONDO:0023670, OMIM 619471, MONDO:0014926.
Inborn genetic diseases. Identifiers: MedGen C0950123, MeSH D030342.

Allele frequency attached by ClinVar (database versions not stated): TOPMed 0.00002; gnomAD exomes 0.00003; ExAC 0.00002.
gnomAD v4.1: 104 of 1,613,880 alleles (0.0064%); highest among the groups gnomAD compares: Non-Finnish European, 0.0086%; no homozygotes.

Submissions (7):

PreventionGenetics, part of Exact Sciences
Classification: Uncertain significance for IFT172-related condition. Last evaluated: 2026-04-02. Review status: criteria provided, single submitter. Criteria: ACMG Guidelines, 2015. Collection method: clinical testing. Allele origin: germline.
Comment: The IFT172 c.707G>A variant is predicted to result in the amino acid substitution p.Arg236His. To our knowledge, this variant has not been reported in the literature. This variant is reported in 0.0062% of alleles in individuals of European (Non-Finnish) descent in gnomAD. At this time, the clinical significance of this variant is uncertain due to the absence of conclusive functional and genetic evidence.

Fulgent Genetics
Classification: Uncertain significance for Short-rib thoracic dysplasia 10 with or without polydactyly; Retinitis pigmentosa 71; Bardet-Biedl syndrome 20. Last evaluated: 2024-02-07. Review status: criteria provided, single submitter. Criteria: ACMG Guidelines, 2015. Collection method: clinical testing. Allele origin: germline.

Blueprint Genetics
Classification: Uncertain significance. Last evaluated: 2023-12-21. Review status: criteria provided, single submitter. Criteria: ACMG Guidelines, 2015. Collection method: clinical testing. Allele origin: germline.

Labcorp Genetics (formerly Invitae), Labcorp
Classification: Uncertain significance for Retinitis pigmentosa 71; Short-rib thoracic dysplasia 10 with or without polydactyly. Last evaluated: 2022-10-13. Review status: criteria provided, single submitter. Criteria: Invitae Variant Classification Sherloc (09022015). Collection method: clinical testing. Allele origin: germline.
Comment: This sequence change replaces arginine, which is basic and polar, with histidine, which is basic and polar, at codon 236 of the IFT172 protein (p.Arg236His). This variant is present in population databases (rs768290728, gnomAD 0.006%). This variant has not been reported in the literature in individuals affected with IFT172-related conditions. ClinVar contains an entry for this variant (Variation ID: 1396343). Advanced modeling of protein sequence and biophysical properties (such as structural, functional, and spatial information, amino acid conservation, physicochemical variation, residue mobility, and thermodynamic stability) performed at Invitae indicates that this missense variant is not expected to disrupt IFT172 protein function. In summary, the available evidence is currently insufficient to determine the role of this variant in disease. Therefore, it has been classified as a Variant of Uncertain Significance.

Ambry Genetics
Classification: Uncertain significance for Inborn genetic diseases. Last evaluated: 2022-09-22. Review status: criteria provided, single submitter. Criteria: Ambry Variant Classification Scheme 2023. Collection method: clinical testing. Allele origin: germline.

Breakthrough Genomics
Classification: Uncertain significance. Review status: criteria provided, single submitter. Criteria: ACMG Guidelines, 2015. Collection method: not provided. Allele origin: germline. Inheritance: Autosomal recessive inheritance. Affected: yes.

Genetic Services Laboratory, University of Chicago
Classification: Uncertain significance. Last evaluated: 2022-05-27. Review status: no assertion criteria provided. Collection method: clinical testing. Allele origin: germline. Affected: no. Not counted in ClinVar's aggregate classification.
Comment: DNA sequence analysis of the IFT172 gene demonstrated a sequence change, c.707G>A, in exon 8 that results in an amino acid change, p.Arg236His. This sequence change has been described in the gnomAD database with a frequency of 0.0062% in the non-Finnish European subpopulation (dbSNP rs768290728). The p.Arg236His change affects a highly conserved amino acid residue located in a domain of the IFT172 protein that is known to be functional. In-silico pathogenicity prediction tools (SIFT, PolyPhen2, Align GVGD, REVEL) provide contradictory results for the p.Arg236His substitution. This sequence change does not appear to have been previously described in individuals with IFT172-related disorders. Due to insufficient evidences and the lack of functional studies, the clinical significance of the p.Arg236His change remains unknown at this time.

NM_015662.3(IFT172):c.707G>A (p.Arg236His)

Gene: IFT172 (intraflagellar transport 172; minus strand). Cytogenetic location: 2p23.3.
Variant type: single nucleotide variant.
Coding change: c.707G>A on transcript NM_015662.3 (MANE Select); coding-DNA position 707, G replaced by A.
Protein change: p.Arg236His; replaces arginine 236 with histidine.
Molecular consequence: missense variant.
Genome position (GRCh38, 1-based): chr2:27,481,124, C>T on the plus strand (G>A on the coding strand, the complement: IFT172 is on the minus strand). VCF-style: chr2-27481124-C-T. GRCh37 (hg19) VCF-style: chr2-27703991-C-T.
Other names: c.707G>A (NM_015662.2, NM_015662.1); short protein forms R236H.
Identifiers: ClinVar variation 1396343 (VCV001396343.10), dbSNP rs768290728, ClinGen allele CA1580892.
Genomic context (GRCh38, chr2:27,481,124, plus strand): 5'-ACAACAGACTGGCCCCCAGGACTTGATACAGCTGTGGTGAACTCCCGCTCCTGAGGGTCA[C>T]GGCTATAATCAAAAGTTTGTAGCATGTGACCTTCTTTTCCATAGGCTACAATTTTCCGAT-3'
Protein context (NP_056477.1, residues 226-246): GHMLQTFDYS[Arg236His]DPQEREFTTA